The following is an entry in ClinVar:

NM_000059.4(BRCA2):c.1064T>C (p.Val355Ala)

Gene: BRCA2 (BRCA2 DNA repair associated; plus strand). Cytogenetic location: 13q13.1.
Variant type: single nucleotide variant.
Coding change: c.1064T>C on transcript NM_000059.4 (MANE Select); coding-DNA position 1064, T replaced by C.
Protein change: p.Val355Ala; replaces valine 355 with alanine.
Molecular consequence: missense variant.
Genome position (GRCh38, 1-based): chr13:32,332,542, T>C. VCF-style: chr13-32332542-T-C. GRCh37 (hg19) VCF-style: chr13-32906679-T-C.
Other names: short protein forms V355A.
Identifiers: ClinVar variation 658098 (VCV000658098.10), dbSNP rs1593891845, ClinGen allele CA387761363.

ClinVar aggregate classification (germline): Conflicting classifications of pathogenicity. Review status: criteria provided, conflicting classifications (1 of 4 stars). 2 submissions from 2 submitters: Uncertain significance (1); Likely benign (1). Last evaluated 2023-03-23.

Conditions:
Hereditary cancer-predisposing syndrome. Also called: Hereditary neoplastic syndrome; Neoplastic Syndromes, Hereditary; Hereditary Cancer Syndrome; Tumor predisposition. Identifiers: Orphanet 140162, MedGen C0027672, MeSH D009386, MONDO:0015356.
Hereditary breast ovarian cancer syndrome. Also called: BRCA1- and BRCA2-Associated Hereditary Breast and Ovarian Cancer; Hereditary breast and ovarian cancer syndrome; Hereditary breast and ovarian cancer syndrome (HBOC); Hereditary breast and/or ovarian cancer syndrome; Breast and ovarian cancer; Hereditary breast and ovarian cancer. Identifiers: Orphanet 145, MedGen C0677776, MeSH D061325, MONDO:0003582. Disease mechanism: loss of function.

Submissions (2):

University of Washington Department of Laboratory Medicine, University of Washington
Classification: Likely benign for Hereditary cancer-predisposing syndrome. Last evaluated: 2023-03-23. Review status: criteria provided, single submitter. Criteria: Dines et al. (Genet Med. 2020). Collection method: curation. Allele origin: germline.
Comment: Missense variant in a coldspot region where missense variants are very unlikely to be pathogenic (PMID:31911673).

BRCA2 exon 10 coldspot. Reclassification based on statistical prior probability.

Labcorp Genetics (formerly Invitae), Labcorp
Classification: Uncertain significance for Hereditary breast ovarian cancer syndrome. Last evaluated: 2018-09-20. Review status: criteria provided, single submitter. Criteria: Invitae Variant Classification Sherloc (09022015). Collection method: clinical testing. Allele origin: germline.
Comment: This sequence change replaces valine with alanine at codon 355 of the BRCA2 protein (p.Val355Ala). The valine residue is weakly conserved and there is a small physicochemical difference between valine and alanine. This variant is not present in population databases (ExAC no frequency). This variant has not been reported in the literature in individuals with BRCA2-related disease. Algorithms developed to predict the effect of missense changes on protein structure and function output the following: SIFT: "Tolerated"; PolyPhen-2: "Benign"; Align-GVGD: "Class C0". The alanine amino acid residue is found in multiple mammalian species, suggesting that this missense change does not adversely affect protein function. These predictions have not been confirmed by published functional studies and their clinical significance is uncertain. In summary, the available evidence is currently insufficient to determine the role of this variant in disease. Therefore, it has been classified as a Variant of Uncertain Significance.